The following is an entry in ClinVar:

ClinVar aggregate classification (germline): Likely benign. Review status: criteria provided, multiple submitters, no conflicts (2 of 4 stars). 3 submissions from 3 submitters: Likely benign (3). Last evaluated 2026-01-12.

Conditions:
DYRK1A-related intellectual disability syndrome (MRD7). Also called: DYRK1A Syndrome; Intellectual developmental disorder, autosomal dominant 7. Identifiers: Orphanet 464306, MedGen C5568143, MONDO:0013578, OMIM 614104.

Allele frequency attached by ClinVar (database versions not stated): ESP Exome Variant Server 0.00008; ExAC 0.00009; gnomAD 0.00009 and 0.00010; gnomAD exomes 0.00009; TOPMed 0.00010.
gnomAD v4.1: 262 of 1,525,458 alleles (0.017%); highest among the groups gnomAD compares: Non-Finnish European, 0.022%; no homozygotes.

Submissions (3):

Labcorp Genetics (formerly Invitae), Labcorp
Classification: Likely benign for DYRK1A-related intellectual disability syndrome. Last evaluated: 2026-01-12. Review status: criteria provided, single submitter. Criteria: Invitae Variant Classification Sherloc (09022015). Collection method: clinical testing. Allele origin: germline.

Blueprint Genetics
Classification: Likely benign. Last evaluated: 2024-11-08. Review status: criteria provided, single submitter. Criteria: ACMG Guidelines, 2015. Collection method: clinical testing. Allele origin: germline.

GeneDx
Classification: Likely benign. Last evaluated: 2017-09-28. Review status: criteria provided, single submitter. Criteria: GeneDx Variant Classification (06012015). Collection method: clinical testing. Allele origin: germline. Affected: yes.
Comment: This variant is considered likely benign or benign based on one or more of the following criteria: it is a conservative change, it occurs at a poorly conserved position in the protein, it is predicted to be benign by multiple in silico algorithms, and/or has population frequency not consistent with disease.

NM_001347721.2(DYRK1A):c.637+16A>G

Gene: DYRK1A (dual specificity tyrosine phosphorylation regulated kinase 1A; plus strand). Cytogenetic location: 21q22.13.
Variant type: single nucleotide variant.
Coding change: c.637+16A>G on transcript NM_001347721.2 (MANE Select); 16 bases into the intron after coding-DNA position 637, A replaced by G.
Molecular consequence: intron variant.
Genome position (GRCh38, 1-based): chr21:37,486,630, A>G. VCF-style: chr21-37486630-A-G. GRCh37 (hg19) VCF-style: chr21-38858932-A-G.
Other names: c.664+16A>G (NM_001396.5, NM_101395.2, NM_130438.2); c.637+16A>G (NM_001347722.2, NM_130436.2); c.550+16A>G (NM_001347723.2).
Identifiers: ClinVar variation 381277 (VCV000381277.10), dbSNP rs373230801, ClinGen allele CA10023821.